The following is an entry in ClinVar:

ClinVar aggregate classification (germline): Uncertain significance. Review status: criteria provided, multiple submitters, no conflicts (2 of 4 stars). 6 submissions from 6 submitters: Uncertain significance (6). Last evaluated 2026-05-10.

Conditions:
TTN-related disorder. Also called: TTN-related condition; TTN-related disease; TTN-related disorders.
Dilated cardiomyopathy 1G (CMD1G). Identifiers: Orphanet 154, MedGen C1858763, MONDO:0011400, OMIM 604145.
Autosomal recessive limb-girdle muscular dystrophy type 2J (LGMDR10). Also called: Limb-girdle muscular dystrophy, type 2J; MUSCULAR DYSTROPHY, LIMB-GIRDLE, AUTOSOMAL RECESSIVE 10. Identifiers: Orphanet 140922, MedGen C1837342, MONDO:0012127, OMIM 608807.
Early-onset myopathy with fatal cardiomyopathy (CMYO5). Also called: Salih Myopathy; CONGENITAL MYOPATHY 5 WITH CARDIOMYOPATHY. Identifiers: Orphanet 289377, MedGen C2673677, MONDO:0012714, OMIM 611705. Disease mechanism: loss of function.
Tibial muscular dystrophy (TMD). Also called: Tibial muscular dystrophy, tardive; UDD MYOPATHY; Udd Distal Myopathy – Tibial Muscular Dystrophy. Identifiers: Orphanet 609, MedGen C1838244, MONDO:0010870, OMIM 600334.
Hypertrophic cardiomyopathy 9. Also called: Familial hypertrophic cardiomyopathy 9. Identifiers: MedGen C1861065, MONDO:0013412, OMIM 613765.
Myopathy, myofibrillar, 9, with early respiratory failure (MFM9). Also called: EDSTROM MYOPATHY; Myopathy, distal, with early respiratory failure, autosomal dominant; Hereditary myopathy with early respiratory failure; MYOPATHY, PROXIMAL, WITH EARLY RESPIRATORY MUSCLE INVOLVEMENT. Identifiers: Orphanet 178464, Orphanet 34521, MedGen C1863599, MONDO:0011362, OMIM 603689.

Allele frequency attached by ClinVar (database versions not stated): gnomAD 0.00006; TOPMed 0.00008.
gnomAD v4.1: 22 of 1,614,022 alleles (0.0014%); highest among the groups gnomAD compares: African/African-American, 0.0067%; no homozygotes.

Submissions (6):

PreventionGenetics, part of Exact Sciences
Classification: Uncertain significance for TTN-related condition. Last evaluated: 2026-05-10. Review status: criteria provided, single submitter. Criteria: ACMG Guidelines, 2015. Collection method: clinical testing. Allele origin: germline.
Comment: The TTN c.570A>T variant is predicted to result in the amino acid substitution p.Glu190Asp. To our knowledge, this variant has not been reported in the literature. This variant is reported in 0.0062% of alleles in individuals of African descent in gnomAD. At this time, the clinical significance of this variant is uncertain due to the absence of conclusive functional and genetic evidence.

GeneDx
Classification: Uncertain significance. Last evaluated: 2025-06-11. Review status: criteria provided, single submitter. Criteria: GeneDx Variant Classification Process June 2021. Collection method: clinical testing. Allele origin: germline.
Comment: Not observed at significant frequency in large population cohorts (gnomAD); Missense variant in a gene in which most reported pathogenic variants are truncating/loss of function; Has not been previously published as pathogenic or benign to our knowledge

Fulgent Genetics
Classification: Uncertain significance for Tibial muscular dystrophy; Myopathy, myofibrillar, 9, with early respiratory failure; Dilated cardiomyopathy 1G; Autosomal recessive limb-girdle muscular dystrophy type 2J; Early-onset myopathy with fatal cardiomyopathy; Hypertrophic cardiomyopathy 9. Last evaluated: 2021-09-14. Review status: criteria provided, single submitter. Criteria: ACMG Guidelines, 2015. Collection method: clinical testing. Allele origin: unknown.

Mayo Clinic Laboratories, Mayo Clinic
Classification: Uncertain significance. Last evaluated: 2020-10-07. Review status: criteria provided, single submitter. Criteria: ACMG Guidelines, 2015. Collection method: clinical testing. Allele origin: germline. Observed: 1 variant allele.

Labcorp Genetics (formerly Invitae), Labcorp
Classification: Uncertain significance for Dilated cardiomyopathy 1G; Autosomal recessive limb-girdle muscular dystrophy type 2J. Last evaluated: 2017-10-30. Review status: criteria provided, single submitter. Criteria: Invitae Variant Classification Sherloc (09022015). Collection method: clinical testing. Allele origin: germline.

Eurofins Ntd Llc (ga)
Classification: Uncertain significance. Last evaluated: 2016-09-29. Review status: criteria provided, single submitter. Criteria: EGL Classification Definitions 2015. Collection method: clinical testing. Allele origin: germline. Observed: 2 variant alleles, 2 heterozygotes.

NM_001267550.2(TTN):c.570A>T (p.Glu190Asp)

Gene: TTN (titin; minus strand). Cytogenetic location: 2q31.2.
Variant type: single nucleotide variant.
Coding change: c.570A>T on transcript NM_001267550.2 (MANE Select); coding-DNA position 570, A replaced by T.
Protein change: p.Glu190Asp; replaces glutamic acid 190 with aspartic acid.
Molecular consequence: missense variant.
Genome position (GRCh38, 1-based): chr2:178,800,408, T>A on the plus strand (A>T on the coding strand, the complement: TTN is on the minus strand). VCF-style: chr2-178800408-T-A. GRCh37 (hg19) VCF-style: chr2-179665135-T-A.
Other names: c.570A>T (NM_001267550.1); c.570A>T, p.Glu190Asp (NM_001256850.1, NM_003319.4, NM_133378.4 and 3 more transcripts); short protein forms E190D.
Identifiers: ClinVar variation 497327 (VCV000497327.15), dbSNP rs753196873, ClinGen allele CA2006302.